The following is an entry in ClinVar:

NM_000308.4(CTSA):c.230del (p.Pro77fs)

Gene: CTSA (cathepsin A; plus strand). Cytogenetic location: 20q13.12.
Variant type: Deletion.
Coding change: c.230del on transcript NM_000308.4 (MANE Select); coding-DNA position 230, one base deleted (C; older notation c.230delC).
Protein change: p.Pro77fs; shifts the reading frame from proline 77.
Molecular consequence: frameshift variant. On other transcripts: non-coding transcript variant (1).
Genome position (GRCh38, 1-based): chr20:45,891,951, C deleted; the last of 3 consecutive C bases (chr20:45,891,949-45,891,951); deleting any one gives the same sequence. VCF-style (leftmost placement, unchanged base first): chr20-45891948-GC-G. GRCh37 (hg19) VCF-style: chr20-44520587-GC-G.
Other names: c.230del, p.Pro77fs (NM_001127695.3, NM_001167594.3); short protein forms P77fs.
Identifiers: ClinVar variation 100724 (VCV000100724.5), dbSNP rs587779402, ClinGen allele CA150628.

ClinVar aggregate classification (germline): Pathogenic. Review status: criteria provided, single submitter (1 of 4 stars). 2 submissions from 2 submitters: Pathogenic (1). 1 of the submissions does not count toward it. Last evaluated 2024-07-22.

Conditions:
Combined deficiency of sialidase AND beta galactosidase (GSL). Also called: NEURAMINIDASE DEFICIENCY WITH BETA-GALACTOSIDASE DEFICIENCY; NEURAMINIDASE/BETA-GALACTOSIDASE EXPRESSION; PPCA DEFICIENCY; PROTECTIVE PROTEIN/CATHEPSIN A DEFICIENCY; Galactosialidosis; CATHEPSIN A DEFICIENCY. Identifiers: Orphanet 351, MedGen C0268233, MONDO:0009737, OMIM 256540.

Submissions (2):

Labcorp Genetics (formerly Invitae), Labcorp
Classification: Pathogenic for Combined deficiency of sialidase AND beta galactosidase. Last evaluated: 2024-07-22. Review status: criteria provided, single submitter. Criteria: Invitae Variant Classification Sherloc (09022015). Collection method: clinical testing. Allele origin: germline.
Comment: This sequence change creates a premature translational stop signal (p.Pro95Leufs*15) in the CTSA gene. It is expected to result in an absent or disrupted protein product. Loss-of-function variants in CTSA are known to be pathogenic (PMID: 15110321, 23915561). This variant is not present in population databases (gnomAD no frequency). This premature translational stop signal has been observed in individual(s) with clinical features of CTSA-related conditions (PMID: 24767253). ClinVar contains an entry for this variant (Variation ID: 100724). For these reasons, this variant has been classified as Pathogenic.

Unidad de Diagnostico y Tratamiento de Errores Congenitos del Metabolismo. Hospital Clínico Universitário de Santiago de Compostela
Classification: Pathogenic for Combined deficiency of sialidase AND beta galactosidase. Review status: no assertion criteria provided. Collection method: research. Allele origin: inherited. Affected: yes. Not counted in ClinVar's aggregate classification.

Literature cited by the submitters: PubMed 15110321 (cited by Labcorp Genetics (formerly Invitae), Labcorp); PubMed 23915561 (cited by Labcorp Genetics (formerly Invitae), Labcorp); PubMed 24767253 (cited by Labcorp Genetics (formerly Invitae), Labcorp).